The following is an entry in ClinVar:

ClinVar aggregate classification (germline): Uncertain significance. Review status: criteria provided, multiple submitters, no conflicts (2 of 4 stars). 4 submissions from 4 submitters: Uncertain significance (4). Last evaluated 2025-05-23.

Conditions:
Aortic aneurysm, familial thoracic 4 (AAT4). Also called: AORTIC ANEURYSM/AORTIC DISSECTION AND PATENT DUCTUS ARTERIOSUS. Identifiers: MedGen C1851504, MONDO:0007568, OMIM 132900.
Familial thoracic aortic aneurysm and aortic dissection (TAAD). Also called: Thoracic aortic aneurysms and dissections. Identifiers: Orphanet 91387, MedGen C4707243, MONDO:0019625.

Allele frequency attached by ClinVar (database versions not stated): gnomAD exomes 0.00001; TOPMed below 0.00001.
gnomAD v4.1: 12 of 1,614,070 alleles (0.00074%); highest among the groups gnomAD compares: African/African-American, 0.0013%; no homozygotes.

Submissions (4):

Labcorp Genetics (formerly Invitae), Labcorp
Classification: Uncertain significance for Aortic aneurysm, familial thoracic 4. Last evaluated: 2025-05-23. Review status: criteria provided, single submitter. Criteria: Invitae Variant Classification Sherloc (09022015). Collection method: clinical testing. Allele origin: germline.
Comment: This sequence change replaces glutamic acid, which is acidic and polar, with lysine, which is basic and polar, at codon 1838 of the MYH11 protein (p.Glu1838Lys). This variant is not present in population databases (gnomAD no frequency). This variant has not been reported in the literature in individuals affected with MYH11-related conditions. ClinVar contains an entry for this variant (Variation ID: 918902). Invitae Evidence Modeling of protein sequence and biophysical properties (such as structural, functional, and spatial information, amino acid conservation, physicochemical variation, residue mobility, and thermodynamic stability) indicates that this missense variant is not expected to disrupt MYH11 protein function with a negative predictive value of 95%. In summary, the available evidence is currently insufficient to determine the role of this variant in disease. Therefore, it has been classified as a Variant of Uncertain Significance.

GeneDx
Classification: Uncertain significance. Last evaluated: 2024-12-06. Review status: criteria provided, single submitter. Criteria: GeneDx Variant Classification Process June 2021. Collection method: clinical testing. Allele origin: germline.
Comment: Not observed at significant frequency in large population cohorts (gnomAD); In silico analysis supports that this missense variant has a deleterious effect on protein structure/function; Has not been previously published as pathogenic or benign to our knowledge; This variant is associated with the following publications: (PMID: 21529752)

All of Us Research Program, National Institutes of Health
Classification: Uncertain significance for Familial thoracic aortic aneurysm and aortic dissection. Last evaluated: 2024-03-24. Review status: criteria provided, single submitter. Criteria: ACMG Guidelines, 2015. Collection method: clinical testing. Allele origin: germline. Inheritance: Autosomal dominant inheritance. Observed: 2 variant alleles, 2 heterozygotes.
Comment: This missense variant replaces glutamic acid with lysine at codon 1838 of the MYH11 protein. Computational prediction tool suggests that this variant may have deleterious impact on protein structure and function (internally defined REVEL score threshold >=0.7, PMID: 27666373). Splice site prediction tools suggest that this variant may not impact RNA splicing. To our knowledge, functional studies have not been performed for this variant. This variant has not been reported in individuals affected with cardiovascular disorders in the literature. This variant has not been identified in the general population by the Genome Aggregation Database (gnomAD). The available evidence is insufficient to determine the role of this variant in disease conclusively. Therefore, this variant is classified as a Variant of Uncertain Significance.

This study involves interpretation of variants in research participants for the purpose of population health screening. Participant phenotype was not available at the time of variant classification. Additional details can be found in publication PMID: 35346344, PMCID: PMC8962531

Color Diagnostics, LLC DBA Color Health
Classification: Uncertain significance for Familial thoracic aortic aneurysm and aortic dissection. Last evaluated: 2024-03-06. Review status: criteria provided, single submitter. Criteria: ACMG Guidelines, 2015. Collection method: clinical testing. Allele origin: germline.
Comment: This missense variant replaces glutamic acid with lysine at codon 1838 of the MYH11 protein. Computational prediction tools indicate that this variant has a deleterious impact on protein structure and function. To our knowledge, functional studies have not been reported for this variant. This variant has not been reported in individuals affected with MYH11-related disorders in the literature. This variant has not been identified in the general population by the Genome Aggregation Database (gnomAD). The available evidence is insufficient to determine the role of this variant in disease conclusively. Therefore, this variant is classified as a Variant of Uncertain Significance.

NM_002474.3(MYH11):c.5491G>A (p.Glu1831Lys)

Genes: MYH11 (myosin heavy chain 11; minus strand), NDE1 (nudE neurodevelopment protein 1; plus strand). Cytogenetic location: 16p13.11.
Variant type: single nucleotide variant.
Coding change: c.5491G>A on transcript NM_002474.3 (MANE Select); coding-DNA position 5491, G replaced by A.
Protein change: p.Glu1831Lys; replaces glutamic acid 1831 with lysine.
Molecular consequence: missense variant. On other transcripts: intron variant (2).
Genome position (GRCh38, 1-based): chr16:15,717,153, C>T on the plus strand (G>A on the coding strand, the complement: MYH11 is on the minus strand). VCF-style: chr16-15717153-C-T. GRCh37 (hg19) VCF-style: chr16-15811010-C-T.
Other names: c.5512G>A, p.Glu1838Lys (NM_001040113.2, NM_001040114.2); c.5491G>A, p.Glu1831Lys (NM_022844.3); c.948-7038C>T (NM_001143979.2, NM_017668.3); short protein forms E1838K, E1831K.
Identifiers: ClinVar variation 918902 (VCV000918902.12), dbSNP rs750433973, ClinGen allele CA394848786.